The following is an entry in ClinVar:

NM_004517.4(ILK):c.1353C>G (p.Asp451Glu)

Genes: ILK (integrin linked kinase; plus strand), TAF10 (TATA-box binding protein associated factor 10; minus strand). Cytogenetic location: 11p15.4.
Variant type: single nucleotide variant.
Coding change: c.1353C>G on transcript NM_004517.4 (MANE Select); coding-DNA position 1353, C replaced by G.
Protein change: p.Asp451Glu; replaces aspartic acid 451 with glutamic acid.
Molecular consequence: missense variant. On other transcripts: 3 prime UTR variant (1).
Genome position (GRCh38, 1-based): chr11:6,610,605, C>G. VCF-style: chr11-6610605-C-G. GRCh37 (hg19) VCF-style: chr11-6631836-C-G.
Other names: c.1353C>G, p.Asp451Glu (NM_001014794.3, NM_001014795.3); c.1170C>G, p.Asp390Glu (NM_001278441.2); c.951C>G, p.Asp317Glu (NM_001278442.2); c.*317G>C (NM_006284.4); short protein forms D451E, D317E, D390E.
Identifiers: ClinVar variation 578151 (VCV000578151.8), dbSNP rs1234007742, ClinGen allele CA379468528.

ClinVar aggregate classification (germline): Uncertain significance (1 of 4 stars; one submission).

Conditions:
Primary familial hypertrophic cardiomyopathy (HCM). Identifiers: Orphanet 99739, MedGen C0949658, MeSH D024741, MONDO:0024573. Inheritance: Various modes of inheritance.

Allele frequency attached by ClinVar (database versions not stated): gnomAD 0.00001; gnomAD exomes 0.00002; TOPMed 0.00002.
gnomAD v4.1: 21 of 1,614,076 alleles (0.0013%); highest among the groups gnomAD compares: Non-Finnish European, 0.0016%; no homozygotes.

Submission:

Labcorp Genetics (formerly Invitae), Labcorp
Classification: Uncertain significance for Primary familial hypertrophic cardiomyopathy. Last evaluated: 2025-02-20. Review status: criteria provided, single submitter. Criteria: Invitae Variant Classification Sherloc (09022015). Collection method: clinical testing. Allele origin: germline.
Comment: This sequence change replaces aspartic acid, which is acidic and polar, with glutamic acid, which is acidic and polar, at codon 451 of the ILK protein (p.Asp451Glu). This variant is present in population databases (no rsID available, gnomAD 0.004%). This variant has not been reported in the literature in individuals affected with ILK-related conditions. ClinVar contains an entry for this variant (Variation ID: 578151). An algorithm developed to predict the effect of missense changes on protein structure and function (PolyPhen-2) suggests that this variant is likely to be tolerated. In summary, the available evidence is currently insufficient to determine the role of this variant in disease. Therefore, it has been classified as a Variant of Uncertain Significance.